The following is an entry in ClinVar:

NM_001999.4(FBN2):c.8557C>T (p.Leu2853Phe)

Gene: FBN2 (fibrillin 2; minus strand). Cytogenetic location: 5q23.3.
Variant type: single nucleotide variant.
Coding change: c.8557C>T on transcript NM_001999.4 (MANE Select); coding-DNA position 8557, C replaced by T.
Protein change: p.Leu2853Phe; replaces leucine 2853 with phenylalanine.
Molecular consequence: missense variant.
Genome position (GRCh38, 1-based): chr5:128,259,637, G>A on the plus strand (C>T on the coding strand, the complement: FBN2 is on the minus strand). VCF-style: chr5-128259637-G-A. GRCh37 (hg19) VCF-style: chr5-127595329-G-A.
Other names: c.8557C>T (NM_001999.3); short protein forms L2853F.
Identifiers: ClinVar variation 2417507 (VCV002417507.10), dbSNP rs372839477, ClinGen allele CA127001940.

ClinVar aggregate classification (germline): Conflicting classifications of pathogenicity. Review status: criteria provided, conflicting classifications (1 of 4 stars). 3 submissions from 3 submitters: Uncertain significance (2); Benign (1). Last evaluated 2026-01-06.

Conditions:
Congenital contractural arachnodactyly (CCA). Also called: BEALS SYNDROME; Beals-Hecht syndrome; Arthrogryposis, distal, type 9. Identifiers: Orphanet 115, MedGen C0220668, MONDO:0007363, OMIM 121050.
Familial thoracic aortic aneurysm and aortic dissection (TAAD). Also called: Thoracic aortic aneurysms and dissections. Identifiers: Orphanet 91387, MedGen C4707243, MONDO:0019625.

Allele frequency attached by ClinVar (database versions not stated): gnomAD exomes below 0.00001; TOPMed 0.00002; gnomAD 0.00003; ESP Exome Variant Server 0.00008.
gnomAD v4.1: 11 of 1,613,964 alleles (0.00068%); highest among the groups gnomAD compares: African/African-American, 0.015%; no homozygotes.

Submissions (3):

Ambry Genetics
Classification: Uncertain significance for Familial thoracic aortic aneurysm and aortic dissection. Last evaluated: 2026-01-06. Review status: criteria provided, single submitter. Criteria: Ambry Variant Classification Scheme 2023. Collection method: clinical testing. Allele origin: germline.
Comment: The p.L2853F variant (also known as c.8557C>T), located in coding exon 65 of the FBN2 gene, results from a C to T substitution at nucleotide position 8557. The leucine at codon 2853 is replaced by phenylalanine, an amino acid with highly similar properties. This amino acid position is conserved. In addition, this alteration is predicted to be tolerated by in silico analysis. Based on the available evidence, the clinical significance of this variant remains unclear.

GeneDx
Classification: Uncertain significance. Last evaluated: 2024-12-18. Review status: criteria provided, single submitter. Criteria: GeneDx Variant Classification Process June 2021. Collection method: clinical testing. Allele origin: germline. Affected: yes.
Comment: Not observed at significant frequency in large population cohorts (gnomAD); In silico analysis indicates that this missense variant does not alter protein structure/function; Has not been previously published as pathogenic or benign to our knowledge

Labcorp Genetics (formerly Invitae), Labcorp
Classification: Benign for Congenital contractural arachnodactyly. Last evaluated: 2024-11-30. Review status: criteria provided, single submitter. Criteria: Invitae Variant Classification Sherloc (09022015). Collection method: clinical testing. Allele origin: germline.